The following is an entry in ClinVar:

NM_001854.4(COL11A1):c.3169-2A>G

Gene: COL11A1 (collagen type XI alpha 1 chain; minus strand). Cytogenetic location: 1p21.1.
Variant type: single nucleotide variant.
Coding change: c.3169-2A>G on transcript NM_001854.4 (MANE Select); the canonical splice acceptor site of the intron before coding-DNA position 3169, A replaced by G.
Molecular consequence: splice acceptor variant.
Genome position (GRCh38, 1-based): chr1:102,946,958, T>C on the plus strand (A>G on the coding strand, the complement: COL11A1 is on the minus strand). VCF-style: chr1-102946958-T-C. GRCh37 (hg19) VCF-style: chr1-103412514-T-C.
Other names: c.3052-2A>G (NM_001190709.2); c.3205-2A>G (NM_080629.3); c.2821-2A>G (NM_080630.4).
Identifiers: ClinVar variation 3053670 (VCV003053670.2), dbSNP rs2524792669, ClinGen allele CA341171520.

ClinVar aggregate classification (germline): Likely pathogenic (0 of 4 stars; one submission).

Conditions:
COL11A1-related disorder. Also called: COL11A1-related condition; COL11A1-related disorders.

Submission:

PreventionGenetics, part of Exact Sciences
Classification: Likely pathogenic for COL11A1-related condition. Last evaluated: 2024-02-29. Review status: no assertion criteria provided. Collection method: clinical testing. Allele origin: germline.
Comment: The COL11A1 c.3169-2A>G variant is predicted to disrupt the AG splice acceptor site and interfere with normal splicing. To our knowledge, this variant has not been reported in the literature or in a large population database, indicating this variant is rare. Variants that disrupt the consensus splice acceptor site in COL11A1 are expected to be pathogenic. This variant is interpreted as likely pathogenic.